The following is an entry in ClinVar:

NM_139076.3(ABRAXAS1):c.770G>T (p.Arg257Met)

Gene: ABRAXAS1 (abraxas 1, BRCA1 A complex subunit; minus strand). Cytogenetic location: 4q21.23.
Variant type: single nucleotide variant.
Coding change: c.770G>T on transcript NM_139076.3 (MANE Select); coding-DNA position 770, G replaced by T.
Protein change: p.Arg257Met; replaces arginine 257 with methionine.
Molecular consequence: missense variant.
Genome position (GRCh38, 1-based): chr4:83,463,520, C>A on the plus strand (G>T on the coding strand, the complement: ABRAXAS1 is on the minus strand). VCF-style: chr4-83463520-C-A. GRCh37 (hg19) VCF-style: chr4-84384673-C-A.
Other names: c.443G>T, p.Arg148Met (NM_001345962.2); short protein forms R148M, R257M.
Identifiers: ClinVar variation 1799723 (VCV001799723.3), dbSNP rs750850603, ClinGen allele CA2990459.

ClinVar aggregate classification (germline): Uncertain significance (1 of 4 stars; one submission).

Allele frequency attached by ClinVar (database versions not stated): gnomAD exomes below 0.00001; TOPMed below 0.00001; ExAC 0.00001.
gnomAD v4.1: 4 of 1,610,370 alleles (0.00025%); highest among the groups gnomAD compares: Non-Finnish European, 0.00034%; no homozygotes.

Submission:

Ambry Genetics
Classification: Uncertain significance. Last evaluated: 2025-11-26. Review status: criteria provided, single submitter. Criteria: Ambry Variant Classification Scheme 2023. Collection method: clinical testing. Allele origin: germline.
Comment: The p.R257M variant (also known as c.770G>T), located in coding exon 8 of the FAM175A gene, results from a G to T substitution at nucleotide position 770. The arginine at codon 257 is replaced by methionine, an amino acid with similar properties. This amino acid position is conserved. In addition, this alteration is predicted to be tolerated by in silico analysis. Since supporting evidence is limited at this time, the clinical significance of this alteration remains unclear.